The following is an entry in ClinVar:

NM_000081.4(LYST):c.10955A>G (p.Gln3652Arg)

Gene: LYST (lysosomal trafficking regulator; minus strand). Cytogenetic location: 1q42.3.
Variant type: single nucleotide variant.
Coding change: c.10955A>G on transcript NM_000081.4 (MANE Select); coding-DNA position 10955, A replaced by G.
Protein change: p.Gln3652Arg; replaces glutamine 3652 with arginine.
Molecular consequence: missense variant.
Genome position (GRCh38, 1-based): chr1:235,677,174, T>C on the plus strand (A>G on the coding strand, the complement: LYST is on the minus strand). VCF-style: chr1-235677174-T-C. GRCh37 (hg19) VCF-style: chr1-235840474-T-C.
Other names: c.10955A>G, p.Gln3652Arg (NM_001301365.1); short protein forms Q3652R.
Identifiers: ClinVar variation 1005263 (VCV001005263.5), dbSNP rs759886632, ClinGen allele CA1465251.

ClinVar aggregate classification (germline): Uncertain significance (1 of 4 stars; one submission).

Conditions:
Chédiak-Higashi syndrome (CHS). Also called: Chediak-Higashi Syndrome. Identifiers: Orphanet 167, MedGen C0007965, MONDO:0008963, OMIM 214500.

Allele frequency attached by ClinVar (database versions not stated): gnomAD exomes below 0.00001; TOPMed below 0.00001; ExAC 0.00001.
gnomAD v4.1: 1 of 1,612,658 alleles (0.000062%); highest among the groups gnomAD compares: South Asian, 0.0011%; no homozygotes.

Submission:

Labcorp Genetics (formerly Invitae), Labcorp
Classification: Uncertain significance for Chédiak-Higashi syndrome. Last evaluated: 2025-07-14. Review status: criteria provided, single submitter. Criteria: Invitae Variant Classification Sherloc (09022015). Collection method: clinical testing. Allele origin: germline.
Comment: This sequence change replaces glutamine, which is neutral and polar, with arginine, which is basic and polar, at codon 3652 of the LYST protein (p.Gln3652Arg). This variant is present in population databases (rs759886632, gnomAD 0.003%). This variant has not been reported in the literature in individuals affected with LYST-related conditions. ClinVar contains an entry for this variant (Variation ID: 1005263). Invitae Evidence Modeling of protein sequence and biophysical properties (such as structural, functional, and spatial information, amino acid conservation, physicochemical variation, residue mobility, and thermodynamic stability) indicates that this missense variant is not expected to disrupt LYST protein function with a negative predictive value of 80%. In summary, the available evidence is currently insufficient to determine the role of this variant in disease. Therefore, it has been classified as a Variant of Uncertain Significance.